The following is an entry in ClinVar:

NM_001384125.1(BLTP1):c.4945A>G (p.Ser1649Gly)

Gene: BLTP1 (bridge-like lipid transfer protein family member 1; plus strand). Cytogenetic location: 4q27.
Variant type: single nucleotide variant.
Coding change: c.4945A>G on transcript NM_001384125.1 (MANE Select); coding-DNA position 4945, A replaced by G.
Protein change: p.Ser1649Gly; replaces serine 1649 with glycine.
Molecular consequence: missense variant.
Genome position (GRCh38, 1-based): chr4:122,245,048, A>G. VCF-style: chr4-122245048-A-G. GRCh37 (hg19) VCF-style: chr4-123166203-A-G.
Other names: c.4945A>G, p.Ser1649Gly (NM_015312.4); short protein forms S1649G.
Identifiers: ClinVar variation 4985564 (VCV004985564.1).

ClinVar aggregate classification (germline): Uncertain significance (1 of 4 stars; one submission).

Conditions:
BLTP1-related disorder. Also called: BLTP1-related condition.

gnomAD v4.1: 21 of 1,611,628 alleles (0.0013%); highest among the groups gnomAD compares: Non-Finnish European, 0.0016%; no homozygotes.

Submission:

PreventionGenetics, part of Exact Sciences
Classification: Uncertain significance for BLTP1-related condition. Last evaluated: 2025-08-08. Review status: criteria provided, single submitter. Criteria: ACMG Guidelines, 2015. Collection method: clinical testing. Allele origin: germline.
Comment: The BLTP1 c.4945A>G variant is predicted to result in the amino acid substitution p.Ser1649Gly. To our knowledge, this variant has not been reported in the literature. This variant has been reported in one heterozygous individual within the ‘other’ subpopulation in gnomAD. At this time, the clinical significance of this variant is uncertain due to the absence of conclusive functional and genetic evidence.